The following is an entry in ClinVar:

ClinVar aggregate classification (germline): Benign. Review status: criteria provided, multiple submitters, no conflicts (2 of 4 stars). 3 submissions from 3 submitters: Benign (3). Last evaluated 2024-07-31.

Allele frequency attached by ClinVar (database versions not stated): gnomAD 0.75072 and 0.75938; TOPMed 0.75198; 1000 Genomes Project 30x 0.77826; 1000 Genomes Project 0.78814; gnomAD exomes 0.82406.
gnomAD v4.1: 970,307 of 1,189,670 alleles (82%); highest among the groups gnomAD compares: East Asian, 99%; 398,972 homozygotes.

Submissions (3):

Unidad de Genómica Garrahan, Hospital de Pediatría Garrahan
Classification: Benign. Last evaluated: 2024-07-31. Review status: criteria provided, single submitter. Criteria: ACMG Guidelines, 2015. Collection method: clinical testing. Allele origin: germline. Affected: no. Observed: 86 variant alleles.
Comment: This variant is classified as Benign based on local population frequency. This variant was detected in 92% of patients studied in a panel designed for Epileptic and Developmental Encephalopathy, Progressive Myoclonus Epilepsy and Abnormal Movements and Neurodegeneration with brain iron accumulation. Number of patients: 86. Only high quality variants are reported.

GeneDx
Classification: Benign. Last evaluated: 2018-06-25. Review status: criteria provided, single submitter. Criteria: GeneDx Variant Classification Process June 2021. Collection method: clinical testing. Allele origin: germline. Affected: yes.

Breakthrough Genomics
Classification: Benign. Review status: criteria provided, single submitter. Criteria: ACMG Guidelines, 2015. Collection method: not provided. Allele origin: germline. Inheritance: Autosomal dominant inheritance. Affected: yes.

NM_000834.5(GRIN2B):c.1126-73A>G

Gene: GRIN2B (glutamate ionotropic receptor NMDA type subunit 2B; minus strand). Cytogenetic location: 12p13.1.
Variant type: single nucleotide variant.
Coding change: c.1126-73A>G on transcript NM_000834.5 (MANE Select); 73 bases into the intron before coding-DNA position 1126, A replaced by G.
Molecular consequence: intron variant.
Genome position (GRCh38, 1-based): chr12:13,616,730, T>C on the plus strand (A>G on the coding strand, the complement: GRIN2B is on the minus strand). VCF-style: chr12-13616730-T-C. GRCh37 (hg19) VCF-style: chr12-13769664-T-C.
Identifiers: ClinVar variation 1290979 (VCV001290979.5), dbSNP rs1805199, ClinGen allele CA233011473.
Genomic context (GRCh38, chr12:13,616,730, plus strand): 5'-GAACACAAGAATCAGAAACCACTGGCCACAACATAACAAACAGCCTGTCCCAGTATTGTC[T>C]GAACAATCCCAGGAAGCAGTTGAACAAAAGCCAACAAGTGCCAACATTGTACATACTAGA-3'